The following is an entry in ClinVar:

ClinVar aggregate classification (germline): Uncertain significance (1 of 4 stars; one submission).

Allele frequency attached by ClinVar (database versions not stated): gnomAD 0.00001; TOPMed 0.00001.
gnomAD v4.1: 2 of 1,606,570 alleles (0.00012%); highest among the groups gnomAD compares: East Asian, 0.0022%; no homozygotes.

Submission:

Labcorp Genetics (formerly Invitae), Labcorp
Classification: Uncertain significance. Last evaluated: 2022-04-22. Review status: criteria provided, single submitter. Criteria: Invitae Variant Classification Sherloc (09022015). Collection method: clinical testing. Allele origin: germline.
Comment: This sequence change replaces valine, which is neutral and non-polar, with leucine, which is neutral and non-polar, at codon 361 of the PAX1 protein (p.Val361Leu). This variant is present in population databases (rs749682441, gnomAD 0.01%). This variant has not been reported in the literature in individuals affected with PAX1-related conditions. Algorithms developed to predict the effect of missense changes on protein structure and function (SIFT, PolyPhen-2, Align-GVGD) all suggest that this variant is likely to be tolerated. In summary, the available evidence is currently insufficient to determine the role of this variant in disease. Therefore, it has been classified as a Variant of Uncertain Significance.

NM_001257096.2(PAX1):c.1081G>T (p.Val361Leu)

Gene: PAX1 (paired box 1; plus strand). Cytogenetic location: 20p11.22.
Variant type: single nucleotide variant.
Coding change: c.1081G>T on transcript NM_001257096.2 (MANE Select); coding-DNA position 1081, G replaced by T.
Protein change: p.Val361Leu; replaces valine 361 with leucine.
Molecular consequence: missense variant.
Genome position (GRCh38, 1-based): chr20:21,709,243, G>T. VCF-style: chr20-21709243-G-T. GRCh37 (hg19) VCF-style: chr20-21689881-G-T.
Other names: c.1081G>T, p.Val361Leu (NM_006192.5); short protein forms V361L.
Identifiers: ClinVar variation 2129083 (VCV002129083.2), dbSNP rs749682441, ClinGen allele CA9786677.